The following is an entry in ClinVar:

NM_002156.5(HSPD1):c.1393A>G (p.Ile465Val)

Gene: HSPD1 (heat shock protein family D (Hsp60) member 1; minus strand). Cytogenetic location: 2q33.1.
Variant type: single nucleotide variant.
Coding change: c.1393A>G on transcript NM_002156.5 (MANE Select); coding-DNA position 1393, A replaced by G.
Protein change: p.Ile465Val; replaces isoleucine 465 with valine.
Molecular consequence: missense variant.
Genome position (GRCh38, 1-based): chr2:197,488,034, T>C on the plus strand (A>G on the coding strand, the complement: HSPD1 is on the minus strand). VCF-style: chr2-197488034-T-C. GRCh37 (hg19) VCF-style: chr2-198352758-T-C.
Other names: c.1393A>G, p.Ile465Val (NM_199440.2); short protein forms I465V.
Identifiers: ClinVar variation 458227 (VCV000458227.8), dbSNP rs1395703930, ClinGen allele CA350198579.

ClinVar aggregate classification (germline): Uncertain significance (1 of 4 stars; one submission).

Conditions:
Spastic paraplegia. Identifiers: MedGen C0037772, HP:0001258.

Allele frequency attached by ClinVar (database versions not stated): gnomAD exomes below 0.00001; TOPMed 0.00002.
gnomAD v4.1: 7 of 1,593,966 alleles (0.00044%); highest among the groups gnomAD compares: South Asian, 0.0011%; no homozygotes.

Submission:

Labcorp Genetics (formerly Invitae), Labcorp
Classification: Uncertain significance for Spastic paraplegia. Last evaluated: 2017-05-04. Review status: criteria provided, single submitter. Criteria: Invitae Variant Classification Sherloc (09022015). Collection method: clinical testing. Allele origin: germline.
Comment: In summary, this variant is a novel missense change that is not predicted to affect protein function. There is no indication that it causes disease, but the available evidence is currently insufficient to prove that conclusively. Therefore, it has been classified as a Variant of Uncertain Significance. Algorithms developed to predict the effect of missense changes on protein structure and function (SIFT, PolyPhen-2, Align-GVGD) all suggest that this variant is likely to be tolerated, but these predictions have not been confirmed by published functional studies. This variant is not present in population databases (ExAC no frequency) and has not been reported in the literature in individuals with a HSPD1-related disease. This sequence change replaces isoleucine with valine at codon 465 of the HSPD1 protein (p.Ile465Val). The isoleucine residue is moderately conserved and there is a small physicochemical difference between isoleucine and valine.